The following is an entry in ClinVar:

NM_000059.4(BRCA2):c.595_598del (p.Ala199fs)

Gene: BRCA2 (BRCA2 DNA repair associated; plus strand). Cytogenetic location: 13q13.1.
Variant type: Deletion.
Coding change: c.595_598del on transcript NM_000059.4 (MANE Select); coding-DNA positions 595 to 598, 4 bases deleted (GCTA; older notation c.595_598delGCTA).
Protein change: p.Ala199fs; shifts the reading frame from alanine 199.
Molecular consequence: frameshift variant.
Genome position (GRCh38, 1-based): chr13:32,326,577-32,326,580, GCTA deleted; deleting any 4 consecutive bases within chr13:32,326,575-32,326,580 gives the same sequence; the c. name uses the placement nearest the transcript's 3' end. VCF-style (leftmost placement, unchanged base first): chr13-32326574-TTAGC-T. GRCh37 (hg19) VCF-style: chr13-32900711-TTAGC-T.
Other names: 823del4; short protein forms A199fs.
Identifiers: ClinVar variation 266907 (VCV000266907.10), dbSNP rs886040622, ClinGen allele CA10589037.

ClinVar aggregate classification (germline): Pathogenic. Review status: reviewed by expert panel (3 of 4 stars). 4 submissions from 4 submitters: Pathogenic (1). 3 of the submissions do not count toward it. Last evaluated 2016-10-18.

Conditions:
Familial cancer of breast. Also called: hereditary breast carcinoma; BREAST CANCER, FAMILIAL; Hereditary breast cancer. Identifiers: Orphanet 227535, MedGen C0346153, MONDO:0016419, OMIM 114480. Disease mechanism: loss of function.
Breast-ovarian cancer, familial, susceptibility to, 2 (BROVCA2). Also called: BRCA2 Hereditary Breast and Ovarian Cancer. Identifiers: Orphanet 145, MedGen C2675520, MONDO:0012933, OMIM 612555. Disease mechanism: loss of function.
Hereditary breast ovarian cancer syndrome. Also called: BRCA1- and BRCA2-Associated Hereditary Breast and Ovarian Cancer; Hereditary breast and ovarian cancer; Breast and ovarian cancer; Hereditary breast and/or ovarian cancer syndrome; Hereditary breast and ovarian cancer syndrome; Hereditary breast and ovarian cancer syndrome (HBOC). Identifiers: Orphanet 145, MedGen C0677776, MeSH D061325, MONDO:0003582. Disease mechanism: loss of function.

Submissions (4):

Evidence-based Network for the Interpretation of Germline Mutant Alleles (ENIGMA)
Classification: Pathogenic for Breast-ovarian cancer, familial, susceptibility to, 2. Last evaluated: 2016-10-18. Review status: reviewed by expert panel. Criteria: ENIGMA BRCA1/2 Classification Criteria (2015). Collection method: curation. Allele origin: germline.
Comment: Variant allele predicted to encode a truncated non-functional protein.

Baylor Genetics
Classification: Likely pathogenic for Familial cancer of breast. Last evaluated: 2023-07-18. Review status: criteria provided, single submitter. Criteria: ACMG Guidelines, 2015. Collection method: clinical testing. Allele origin: unknown. Not counted in ClinVar's aggregate classification.

Labcorp Genetics (formerly Invitae), Labcorp
Classification: Pathogenic for Hereditary breast ovarian cancer syndrome. Last evaluated: 2022-05-17. Review status: criteria provided, single submitter. Criteria: Invitae Variant Classification Sherloc (09022015). Collection method: clinical testing. Allele origin: germline. Not counted in ClinVar's aggregate classification.
Comment: For these reasons, this variant has been classified as Pathogenic. ClinVar contains an entry for this variant (Variation ID: 266907). This variant has not been reported in the literature in individuals affected with BRCA2-related conditions. This variant is not present in population databases (gnomAD no frequency). This sequence change creates a premature translational stop signal (p.Ala199Hisfs*11) in the BRCA2 gene. It is expected to result in an absent or disrupted protein product. Loss-of-function variants in BRCA2 are known to be pathogenic (PMID: 20104584).

Consortium of Investigators of Modifiers of BRCA1/2 (CIMBA), c/o University of Cambridge
Classification: Pathogenic for Breast-ovarian cancer, familial, susceptibility to, 2. Last evaluated: 2015-10-02. Review status: criteria provided, single submitter. Criteria: CIMBA Mutation Classification guidelines May 2016. Collection method: clinical testing. Allele origin: germline. Not counted in ClinVar's aggregate classification.

Literature cited by the submitters: PubMed 20104584 (cited by Labcorp Genetics (formerly Invitae), Labcorp).